The following is an entry in ClinVar:

ClinVar aggregate classification (germline): Uncertain significance. Review status: criteria provided, single submitter (1 of 4 stars). 2 submissions from 2 submitters: Uncertain significance (1). 1 of the submissions does not count toward it. Last evaluated 2026-02-18.

Conditions:
Cystic fibrosis (CF). Also called: MUCOVISCIDOSIS. Identifiers: Orphanet 586, MedGen C0010674, MONDO:0009061, OMIM 219700. Disease mechanism: loss of function.

Submissions (2):

Women's Health and Genetics/Laboratory Corporation of America, LabCorp
Classification: Uncertain significance. Last evaluated: 2026-02-18. Review status: criteria provided, single submitter. Criteria: LabCorp Variant Classification Summary - May 2015. Collection method: clinical testing. Allele origin: germline.
Comment: Variant summary: CFTR c.269T>C (p.Leu90Ser) results in a non-conservative amino acid change in the encoded protein sequence. Algorithms developed to predict the effect of missense changes on protein structure and function all suggest that this variant is likely to be disruptive. The variant was absent in 250610 control chromosomes (gnomAD). The available data on variant occurrences in the general population are insufficient to allow any conclusion about variant significance. c.269T>C has been observed in an individual affected with Congenital Bilateral Absence Of The Vas Deferens (Claustres_2000, Cystic Fibrosis Mutation Database). These data do not allow any conclusion about variant significance. To our knowledge, no experimental evidence demonstrating an impact on protein function has been reported. The following publication has been ascertained in the context of this evaluation (PMID: 10923036). ClinVar contains an entry for this variant (Variation ID: 53545). Based on the evidence outlined above, the variant was classified as uncertain significance.

ClinVar Staff, National Center for Biotechnology Information (NCBI)
No classification provided. Condition: CFTR-related disorders. Review status: no classification provided. Collection method: literature only. Allele origin: germline. Affected: yes. Not counted in ClinVar's aggregate classification.

Literature cited by the submitters: PubMed 10923036 (cited by Women's Health and Genetics/Laboratory Corporation of America, LabCorp); PubMed 20059485 (cited by ClinVar Staff, National Center for Biotechnology Information (NCBI)).

NM_000492.4(CFTR):c.269T>C (p.Leu90Ser)

Gene: CFTR (CF transmembrane conductance regulator; plus strand). Cytogenetic location: 7q31.2.
Variant type: single nucleotide variant.
Coding change: c.269T>C on transcript NM_000492.4 (MANE Select); coding-DNA position 269, T replaced by C.
Protein change: p.Leu90Ser; replaces leucine 90 with serine.
Molecular consequence: missense variant.
Genome position (GRCh38, 1-based): chr7:117,509,138, T>C. VCF-style: chr7-117509138-T-C. GRCh37 (hg19) VCF-style: chr7-117149192-T-C.
Other names: short protein forms L90S.
Identifiers: ClinVar variation 53545 (VCV000053545.2), dbSNP rs397508421, ClinGen allele CA326892.